The following is an entry in ClinVar:

ClinVar aggregate classification (germline): Conflicting classifications of pathogenicity. Review status: criteria provided, conflicting classifications (1 of 4 stars). 2 submissions from 2 submitters: Likely pathogenic (1); Uncertain significance (1). Last evaluated 2025-04-28.

Allele frequency attached by ClinVar (database versions not stated): gnomAD exomes below 0.00001.

Submissions (2):

Women's Health and Genetics/Laboratory Corporation of America, LabCorp
Classification: Uncertain significance. Last evaluated: 2025-04-28. Review status: criteria provided, single submitter. Criteria: LabCorp Variant Classification Summary - May 2015. Collection method: clinical testing. Allele origin: germline.
Comment: Variant summary: PRF1 c.443C>G (p.Ala148Gly) results in a non-conservative amino acid change located in the Membrane attack complex component/perforin (MACPF) domain (IPR020864) of the encoded protein sequence. Five of five in-silico tools predict a damaging effect of the variant on protein function. The variant allele was found at a frequency of 4e-06 in 251438 control chromosomes (gnomAD). The available data on variant occurrences in the general population are insufficient to allow any conclusion about variant significance. c.443C>G has been reported in the literature as a biallelic bompound heterozygous genotype in at-least one in individual affected with Familial Hemophagocytic Lymphohistiocytosis (example, Solomon_2018, cited or included in Benson_2019, Blincoe_2020, Gadoury-Levesque_2020). These data do not allow any conclusion about variant significance. To our knowledge, no experimental evidence demonstrating an impact on protein function has been reported. The following publications have been ascertained in the context of this evaluation (PMID: 31044148, 32638196, 32542393, 30295794). ClinVar contains an entry for this variant (Variation ID: 383135). Based on the evidence outlined above, the variant was classified as uncertain significance.

GeneDx
Classification: Likely pathogenic. Last evaluated: 2016-01-08. Review status: criteria provided, single submitter. Criteria: GeneDx Variant Classification (06012015). Collection method: clinical testing. Allele origin: germline. Affected: yes.
Comment: The A148G variant in the PRF1 gene has not been reported previously as a pathogenic variant, nor as a benign variant, to our knowledge. The A148G variant was not observed in approximately 6,500 individuals of European and African American ancestry in the NHLBI Exome Sequencing Project, indicating it is not a common benign variant in these populations. The A148G variant is a conservative amino acid substitution, which occurs at a position that is conserved across species. In silico analysis is inconsistent in its predictions as to whether or not the variant is damaging to the protein structure/function. Missense variants in nearby residues (G149R, G149S, H151L) have been reported in the Human Gene Mutation Database in association with familial hemophagocytic lymphohistiocytosis (Stenson et al., 2014), supporting the functional importance of this region of the protein. The A148G variant is a strong candidate for a pathogenic variant, however the possibility it may be a rare benign variant cannot be excluded.

Literature cited by the submitters: PubMed 32542393 (cited by Women's Health and Genetics/Laboratory Corporation of America, LabCorp); PubMed 32638196 (cited by Women's Health and Genetics/Laboratory Corporation of America, LabCorp); PubMed 31044148 (cited by Women's Health and Genetics/Laboratory Corporation of America, LabCorp); PubMed 30295794 (cited by Women's Health and Genetics/Laboratory Corporation of America, LabCorp).

NM_001083116.3(PRF1):c.443C>G (p.Ala148Gly)

Gene: PRF1 (perforin 1; minus strand). Cytogenetic location: 10q22.1.
Variant type: single nucleotide variant.
Coding change: c.443C>G on transcript NM_001083116.3 (MANE Select); coding-DNA position 443, C replaced by G.
Protein change: p.Ala148Gly; replaces alanine 148 with glycine.
Molecular consequence: missense variant.
Genome position (GRCh38, 1-based): chr10:70,600,460, G>C on the plus strand (C>G on the coding strand, the complement: PRF1 is on the minus strand). VCF-style: chr10-70600460-G-C. GRCh37 (hg19) VCF-style: chr10-72360216-G-C.
Other names: c.443C>G, p.Ala148Gly (NM_005041.6); short protein forms A148G.
Identifiers: ClinVar variation 383135 (VCV000383135.4), dbSNP rs142012387, ClinGen allele CA16605904.